The following is an entry in ClinVar:

NM_001349253.2(SCN11A):c.2404-5C>A

Gene: SCN11A (sodium voltage-gated channel alpha subunit 11; minus strand). Cytogenetic location: 3p22.2.
Variant type: single nucleotide variant.
Coding change: c.2404-5C>A on transcript NM_001349253.2 (MANE Select); 5 bases into the intron before coding-DNA position 2404, C replaced by A.
Molecular consequence: intron variant.
Genome position (GRCh38, 1-based): chr3:38,894,969, G>T on the plus strand (C>A on the coding strand, the complement: SCN11A is on the minus strand). VCF-style: chr3-38894969-G-T. GRCh37 (hg19) VCF-style: chr3-38936460-G-T.
Other names: c.2404-5C>A (NM_014139.3).
Identifiers: ClinVar variation 779532 (VCV000779532.45), dbSNP rs751257954, ClinGen allele CA2322043.

ClinVar aggregate classification (germline): Conflicting classifications of pathogenicity. Review status: criteria provided, conflicting classifications (1 of 4 stars). 4 submissions from 4 submitters: Uncertain significance (2); Likely benign (1). 1 of the submissions does not count toward it. Last evaluated 2025-11-17.

Conditions:
SCN11A-related disorder. Also called: SCN11A-related condition.
Inborn genetic diseases. Identifiers: MedGen C0950123, MeSH D030342.
Hereditary sensory and autonomic neuropathy type 7. Also called: HSAN VII; Neuropathy, hereditary sensory and autonomic, type VII. Identifiers: Orphanet 391397, MedGen C3809882, MONDO:0014244, OMIM 615548.
Familial episodic pain syndrome with predominantly lower limb involvement. Also called: Episodic pain syndrome, familial, 3. Identifiers: Orphanet 391384, Orphanet 391392, MedGen C3809899, MONDO:0014247, OMIM 615552.

Allele frequency attached by ClinVar (database versions not stated): ExAC 0.00001; gnomAD exomes 0.00002; gnomAD 0.00003 and 0.00004; TOPMed 0.00003.
gnomAD v4.1: 57 of 1,590,672 alleles (0.0036%); highest among the groups gnomAD compares: South Asian, 0.01%; no homozygotes.

Submissions (4):

Labcorp Genetics (formerly Invitae), Labcorp
Classification: Likely benign for Familial episodic pain syndrome with predominantly lower limb involvement; Hereditary sensory and autonomic neuropathy type 7. Last evaluated: 2025-11-17. Review status: criteria provided, single submitter. Criteria: Invitae Variant Classification Sherloc (09022015). Collection method: clinical testing. Allele origin: germline.

Ambry Genetics
Classification: Uncertain significance for Inborn genetic diseases. Last evaluated: 2023-06-28. Review status: criteria provided, single submitter. Criteria: Ambry Variant Classification Scheme 2023. Collection method: clinical testing. Allele origin: germline.
Comment: The c.2404-5C>A intronic alteration consists of a C to A substitution 5 nucleotides before exon 15 (coding exon 15) in the SCN11A gene. Based on insufficient or conflicting evidence, the clinical significance of this alteration remains unclear.

CeGaT Center for Human Genetics Tuebingen
Classification: Uncertain significance. Last evaluated: 2021-11-01. Review status: criteria provided, single submitter. Criteria: CeGaT Center For Human Genetics Tuebingen Variant Classification Criteria Version 2. Collection method: clinical testing. Allele origin: germline. Affected: yes. Observed: 1 variant allele.

PreventionGenetics, part of Exact Sciences
Classification: Likely benign for SCN11A-related condition. Last evaluated: 2024-07-14. Review status: no assertion criteria provided. Collection method: clinical testing. Allele origin: germline. Not counted in ClinVar's aggregate classification.
Comment: This variant is classified as likely benign based on ACMG/AMP sequence variant interpretation guidelines (Richards et al. 2015 PMID: 25741868, with internal and published modifications).